The following is an entry in ClinVar:

ClinVar aggregate classification (germline): Likely pathogenic. Review status: criteria provided, multiple submitters, no conflicts (2 of 4 stars). 2 submissions from 2 submitters: Likely pathogenic (2). Last evaluated 2026-06-01.

Conditions:
Marfan syndrome (MFS). Also called: Marfan syndrome type 1; Marfan's syndrome; FBN1-Related Marfan Syndrome; MARFAN SYNDROME, TYPE I; Marfan syndrome, classic. Identifiers: Orphanet 284963, Orphanet 558, MedGen C0024796, MONDO:0007947, OMIM 154700.
Familial thoracic aortic aneurysm and aortic dissection (TAAD). Also called: Thoracic aortic aneurysms and dissections. Identifiers: Orphanet 91387, MedGen C4707243, MONDO:0019625.

Allele frequency attached by ClinVar (database versions not stated): gnomAD exomes below 0.00001.
gnomAD v4.1: 1 of 1,614,146 alleles (0.000062%); highest among the groups gnomAD compares: Non-Finnish European, 0.000085%; no homozygotes.

Submissions (2):

CeGaT Center for Human Genetics Tuebingen
Classification: Likely pathogenic. Last evaluated: 2026-06-01. Review status: criteria provided, single submitter. Criteria: CeGaT Center For Human Genetics Tuebingen Variant Classification Criteria Version 2. Collection method: clinical testing. Allele origin: germline. Affected: yes. Observed: 1 variant allele.
Comment: FBN1: PM1:Strong, PM2, PP3

Labcorp Genetics (formerly Invitae), Labcorp
Classification: Likely pathogenic for Marfan syndrome; Familial thoracic aortic aneurysm and aortic dissection. Last evaluated: 2022-02-08. Review status: criteria provided, single submitter. Criteria: Invitae Variant Classification Sherloc (09022015). Collection method: clinical testing. Allele origin: germline.
Comment: In summary, the currently available evidence indicates that the variant is pathogenic, but additional data are needed to prove that conclusively. Therefore, this variant has been classified as Likely Pathogenic. This variant affects a cysteine residue in the EGF-like, TGFBP or hybrid motif domains of FBN1. Cysteine residues are believed to be involved in intramolecular disulfide bridges and have been shown to be important for FBN1 protein structure (PMID: 16905551, 19349279). In addition, missense substitutions affecting cysteine residues within these domains are significantly overrepresented among patients with Marfan syndrome (PMID: 16571647, 17701892). Advanced modeling of protein sequence and biophysical properties (such as structural, functional, and spatial information, amino acid conservation, physicochemical variation, residue mobility, and thermodynamic stability) performed at Invitae indicates that this missense variant is expected to disrupt FBN1 protein function. This variant has not been reported in the literature in individuals affected with FBN1-related conditions. This variant is not present in population databases (gnomAD no frequency). This sequence change replaces cysteine, which is neutral and slightly polar, with arginine, which is basic and polar, at codon 315 of the FBN1 protein (p.Cys315Arg).

Literature cited by the submitters: PubMed 16905551 (cited by Labcorp Genetics (formerly Invitae), Labcorp); PubMed 19349279 (cited by Labcorp Genetics (formerly Invitae), Labcorp); PubMed 16571647 (cited by Labcorp Genetics (formerly Invitae), Labcorp); PubMed 17701892 (cited by Labcorp Genetics (formerly Invitae), Labcorp).

NM_000138.5(FBN1):c.943T>C (p.Cys315Arg)

Gene: FBN1 (fibrillin 1; minus strand). Cytogenetic location: 15q21.1.
Variant type: single nucleotide variant.
Coding change: c.943T>C on transcript NM_000138.5 (MANE Select); coding-DNA position 943, T replaced by C.
Protein change: p.Cys315Arg; replaces cysteine 315 with arginine.
Molecular consequence: missense variant.
Genome position (GRCh38, 1-based): chr15:48,526,175, A>G on the plus strand (T>C on the coding strand, the complement: FBN1 is on the minus strand). VCF-style: chr15-48526175-A-G. GRCh37 (hg19) VCF-style: chr15-48818372-A-G.
Other names: c.943T>C, p.Cys315Arg (NM_001406716.1); short protein forms C315R.
Identifiers: ClinVar variation 2095184 (VCV002095184.6), dbSNP rs2505640756, ClinGen allele CA392349900.